The following is an entry in ClinVar:

ClinVar aggregate classification (germline): Uncertain significance. Review status: criteria provided, multiple submitters, no conflicts (2 of 4 stars). 2 submissions from 2 submitters: Uncertain significance (2). Last evaluated 2024-12-22.

Conditions:
Atrioventricular septal defect 5 (AVSD5). Identifiers: MedGen C3280939, MONDO:0013769, OMIM 614474.

Allele frequency attached by ClinVar (database versions not stated): gnomAD 0.00001; TOPMed 0.00001.
gnomAD v4.1: 12 of 1,200,414 alleles (0.001%); highest among the groups gnomAD compares: East Asian, 0.0035%; no homozygotes.

Submissions (2):

Labcorp Genetics (formerly Invitae), Labcorp
Classification: Uncertain significance for Atrioventricular septal defect 5. Last evaluated: 2024-12-22. Review status: criteria provided, single submitter. Criteria: Invitae Variant Classification Sherloc (09022015). Collection method: clinical testing. Allele origin: germline.
Comment: This sequence change replaces proline, which is neutral and non-polar, with leucine, which is neutral and non-polar, at codon 270 of the GATA6 protein (p.Pro270Leu). This variant is not present in population databases (gnomAD no frequency). This variant has not been reported in the literature in individuals affected with GATA6-related conditions. ClinVar contains an entry for this variant (Variation ID: 853969). Invitae Evidence Modeling of protein sequence and biophysical properties (such as structural, functional, and spatial information, amino acid conservation, physicochemical variation, residue mobility, and thermodynamic stability) has been performed for this missense variant. However, the output from this modeling did not meet the statistical confidence thresholds required to predict the impact of this variant on GATA6 protein function. In summary, the available evidence is currently insufficient to determine the role of this variant in disease. Therefore, it has been classified as a Variant of Uncertain Significance.

Blueprint Genetics
Classification: Uncertain significance. Last evaluated: 2023-10-03. Review status: criteria provided, single submitter. Criteria: ACMG Guidelines, 2015. Collection method: clinical testing. Allele origin: germline.

NM_005257.6(GATA6):c.809C>T (p.Pro270Leu)

Gene: GATA6 (GATA binding protein 6; plus strand). Cytogenetic location: 18q11.2.
Variant type: single nucleotide variant.
Coding change: c.809C>T on transcript NM_005257.6 (MANE Select); coding-DNA position 809, C replaced by T.
Protein change: p.Pro270Leu; replaces proline 270 with leucine.
Molecular consequence: missense variant.
Genome position (GRCh38, 1-based): chr18:22,171,953, C>T. VCF-style: chr18-22171953-C-T. GRCh37 (hg19) VCF-style: chr18-19751914-C-T.
Other names: short protein forms P270L.
Identifiers: ClinVar variation 853969 (VCV000853969.8), dbSNP rs1488181197, ClinGen allele CA401800917.